The following is an entry in ClinVar:

ClinVar aggregate classification (germline): Uncertain significance. Review status: criteria provided, multiple submitters, no conflicts (2 of 4 stars). 3 submissions from 3 submitters: Uncertain significance (3). Last evaluated 2025-04-20.

Submissions (3):

Ambry Genetics
Classification: Uncertain significance. Last evaluated: 2025-04-20. Review status: criteria provided, single submitter. Criteria: Ambry Variant Classification Scheme 2023. Collection method: clinical testing. Allele origin: germline.

Blueprint Genetics
Classification: Uncertain significance. Last evaluated: 2024-08-07. Review status: criteria provided, single submitter. Criteria: ACMG Guidelines, 2015. Collection method: clinical testing. Allele origin: germline.

Labcorp Genetics (formerly Invitae), Labcorp
Classification: Uncertain significance. Last evaluated: 2024-05-23. Review status: criteria provided, single submitter. Criteria: Invitae Variant Classification Sherloc (09022015). Collection method: clinical testing. Allele origin: germline.
Comment: This sequence change replaces valine, which is neutral and non-polar, with alanine, which is neutral and non-polar, at codon 199 of the SLC7A14 protein (p.Val199Ala). This variant is not present in population databases (gnomAD no frequency). This variant has not been reported in the literature in individuals affected with SLC7A14-related conditions. An algorithm developed to predict the effect of missense changes on protein structure and function (PolyPhen-2) suggests that this variant is likely to be disruptive. In summary, the available evidence is currently insufficient to determine the role of this variant in disease. Therefore, it has been classified as a Variant of Uncertain Significance.

NM_020949.3(SLC7A14):c.596T>C (p.Val199Ala)

Genes: SLC7A14 (solute carrier family 7 member 14; minus strand), SLC7A14-AS1 (SLC7A14 antisense RNA 1; plus strand). Cytogenetic location: 3q26.2.
Variant type: single nucleotide variant.
Coding change: c.596T>C on transcript NM_020949.3 (MANE Select); coding-DNA position 596, T replaced by C.
Protein change: p.Val199Ala; replaces valine 199 with alanine.
Molecular consequence: missense variant.
Genome position (GRCh38, 1-based): chr3:170,498,830, A>G on the plus strand (T>C on the coding strand, the complement: SLC7A14 is on the minus strand). VCF-style: chr3-170498830-A-G. GRCh37 (hg19) VCF-style: chr3-170216619-A-G.
Other names: c.596T>C (NM_020949.2); short protein forms V199A.
Identifiers: ClinVar variation 3616557 (VCV003616557.4).